The following is an entry in ClinVar:

ClinVar aggregate classification (germline): Uncertain significance (1 of 4 stars; one submission).

Conditions:
T-B+ severe combined immunodeficiency due to JAK3 deficiency. Also called: SCID, T CELL-NEGATIVE, B CELL-POSITIVE, NK CELL-NEGATIVE; SCID, autosomal recessive, T-negative/B-positive type. Identifiers: Orphanet 35078, MedGen C1833275, MONDO:0010938, OMIM 600802.

Submission:

Labcorp Genetics (formerly Invitae), Labcorp
Classification: Uncertain significance for T-B+ severe combined immunodeficiency due to JAK3 deficiency. Last evaluated: 2020-03-06. Review status: criteria provided, single submitter. Criteria: Invitae Variant Classification Sherloc (09022015). Collection method: clinical testing. Allele origin: germline.
Comment: In summary, the available evidence is currently insufficient to determine the role of this variant in disease. Therefore, it has been classified as a Variant of Uncertain Significance. Algorithms developed to predict the effect of missense changes on protein structure and function output the following: SIFT: "Tolerated"; PolyPhen-2: "Benign"; Align-GVGD: "Class C0". The leucine amino acid residue is found in multiple mammalian species, suggesting that this missense change does not adversely affect protein function. These predictions have not been confirmed by published functional studies and their clinical significance is uncertain. This variant has not been reported in the literature in individuals with JAK3-related disease. This variant is not present in population databases (ExAC no frequency). This sequence change replaces serine with leucine at codon 1124 of the JAK3 protein (p.Ser1124Leu). The serine residue is weakly conserved and there is a large physicochemical difference between serine and leucine.

NM_000215.4(JAK3):c.3371C>T (p.Ser1124Leu)

Gene: JAK3 (Janus kinase 3; minus strand). Cytogenetic location: 19p13.11.
Variant type: single nucleotide variant.
Coding change: c.3371C>T on transcript NM_000215.4 (MANE Select); coding-DNA position 3371, C replaced by T.
Protein change: p.Ser1124Leu; replaces serine 1124 with leucine.
Molecular consequence: missense variant.
Genome position (GRCh38, 1-based): chr19:17,826,747, G>A on the plus strand (C>T on the coding strand, the complement: JAK3 is on the minus strand). VCF-style: chr19-17826747-G-A. GRCh37 (hg19) VCF-style: chr19-17937556-G-A.
Other names: short protein forms S1124L.
Identifiers: ClinVar variation 646334 (VCV000646334.8), dbSNP rs1599862815, ClinGen allele CA404762896.
Genomic context (GRCh38, chr19:17,826,747, plus strand): 5'-CCTAAGGTCACACAGCCAGTCAACAGAGACCTAATCCAGAGGTCTGCGGGCAGGAGCTAT[G>A]AAAAGGACAGGGAGTGGTGTTTGCCCTCTGGGTGAGCAGTGAAGGCATGAGTCTCACACC-3'
Protein context (NP_000206.2, residues 1114-1124): PEGKHHSLSF[Ser1124Leu]